The following is an entry in ClinVar:

NM_001243177.4(ALDOA):c.382A>C (p.Ile128Leu)

Genes: ALDOA (aldolase, fructose-bisphosphate A; plus strand), LOC112694756 (uncharaterized LOC112694756; plus strand). Cytogenetic location: 16p11.2.
Variant type: single nucleotide variant.
Coding change: c.382A>C on transcript NM_001243177.4 (MANE Select); coding-DNA position 382, A replaced by C.
Protein change: p.Ile128Leu; replaces isoleucine 128 with leucine.
Molecular consequence: missense variant. On other transcripts: 3 prime UTR variant (3).
Genome position (GRCh38, 1-based): chr16:30,067,557, A>C. VCF-style: chr16-30067557-A-C. GRCh37 (hg19) VCF-style: chr16-30078878-A-C.
Other names: c.*729A>C (NM_001365304.2, NM_001365305.2, NM_001365307.2); c.220A>C, p.Ile74Leu (NM_001127617.2, NM_184041.5, NM_184043.2); c.220A>C (NM_184041.4); short protein forms I128L, I74L.
Identifiers: ClinVar variation 1424187 (VCV001424187.4), dbSNP rs747788394, ClinGen allele CA8000905.

ClinVar aggregate classification (germline): Uncertain significance. Review status: criteria provided, multiple submitters, no conflicts (2 of 4 stars). 2 submissions from 2 submitters: Uncertain significance (2). Last evaluated 2024-03-26.

Conditions:
HNSHA due to aldolase A deficiency (GSD12). Also called: Glycogen storage disease due to aldolase A deficiency; GLYCOGEN STORAGE DISEASE XII; GSD XII; RED CELL ALDOLASE DEFICIENCY. Identifiers: Orphanet 57, MedGen C0272066, MONDO:0012747, OMIM 611881.

Allele frequency attached by ClinVar (database versions not stated): TOPMed 0.00003; gnomAD 0.00005 and 0.00006; gnomAD exomes 0.00009; ExAC 0.00013.
gnomAD v4.1: 133 of 1,613,596 alleles (0.0082%); highest among the groups gnomAD compares: Non-Finnish European, 0.01%; no homozygotes.

Submissions (2):

Revvity Omics, Revvity
Classification: Uncertain significance for HNSHA due to aldolase A deficiency. Last evaluated: 2024-03-26. Review status: criteria provided, single submitter. Criteria: ACMG Guidelines, 2015. Collection method: clinical testing. Allele origin: germline.

Labcorp Genetics (formerly Invitae), Labcorp
Classification: Uncertain significance for HNSHA due to aldolase A deficiency. Last evaluated: 2022-01-05. Review status: criteria provided, single submitter. Criteria: Invitae Variant Classification Sherloc (09022015). Collection method: clinical testing. Allele origin: germline.
Comment: This sequence change replaces isoleucine, which is neutral and non-polar, with leucine, which is neutral and non-polar, at codon 74 of the ALDOA protein (p.Ile74Leu). This variant is present in population databases (rs747788394, gnomAD 0.02%). This variant has not been reported in the literature in individuals affected with ALDOA-related conditions. Algorithms developed to predict the effect of missense changes on protein structure and function (SIFT, PolyPhen-2, Align-GVGD) all suggest that this variant is likely to be tolerated. In summary, the available evidence is currently insufficient to determine the role of this variant in disease. Therefore, it has been classified as a Variant of Uncertain Significance.